The following is an entry in ClinVar:

NM_001363711.2(DUOX2):c.926C>T (p.Thr309Ile)

Gene: DUOX2 (dual oxidase 2; minus strand). Cytogenetic location: 15q21.1.
Variant type: single nucleotide variant.
Coding change: c.926C>T on transcript NM_001363711.2 (MANE Select); coding-DNA position 926, C replaced by T.
Protein change: p.Thr309Ile; replaces threonine 309 with isoleucine.
Molecular consequence: missense variant.
Genome position (GRCh38, 1-based): chr15:45,110,667, G>A on the plus strand (C>T on the coding strand, the complement: DUOX2 is on the minus strand). VCF-style: chr15-45110667-G-A. GRCh37 (hg19) VCF-style: chr15-45402865-G-A.
Other names: c.926C>T, p.Thr309Ile (NM_014080.5); short protein forms T309I.
Identifiers: ClinVar variation 3674307 (VCV003674307.2).

ClinVar aggregate classification (germline): Uncertain significance (1 of 4 stars; one submission).

Submission:

Labcorp Genetics (formerly Invitae), Labcorp
Classification: Uncertain significance. Last evaluated: 2024-07-16. Review status: criteria provided, single submitter. Criteria: Invitae Variant Classification Sherloc (09022015). Collection method: clinical testing. Allele origin: germline.
Comment: This sequence change replaces threonine, which is neutral and polar, with isoleucine, which is neutral and non-polar, at codon 309 of the DUOX2 protein (p.Thr309Ile). This variant is not present in population databases (gnomAD no frequency). This variant has not been reported in the literature in individuals affected with DUOX2-related conditions. Advanced modeling of protein sequence and biophysical properties (such as structural, functional, and spatial information, amino acid conservation, physicochemical variation, residue mobility, and thermodynamic stability) performed at Invitae indicates that this missense variant is not expected to disrupt DUOX2 protein function with a negative predictive value of 80%. In summary, the available evidence is currently insufficient to determine the role of this variant in disease. Therefore, it has been classified as a Variant of Uncertain Significance.